The following is an entry in ClinVar:

ClinVar aggregate classification (germline): Uncertain significance (1 of 4 stars; one submission).

Allele frequency attached by ClinVar (database versions not stated): TOPMed below 0.00001; gnomAD exomes 0.00001.
gnomAD v4.1: 9 of 1,577,478 alleles (0.00057%); highest among the groups gnomAD compares: Non-Finnish European, 0.00077%; no homozygotes.

Submission:

Labcorp Genetics (formerly Invitae), Labcorp
Classification: Uncertain significance. Last evaluated: 2022-10-19. Review status: criteria provided, single submitter. Criteria: Invitae Variant Classification Sherloc (09022015). Collection method: clinical testing. Allele origin: germline.
Comment: This sequence change replaces proline, which is neutral and non-polar, with arginine, which is basic and polar, at codon 1269 of the COL17A1 protein (p.Pro1269Arg). This variant is present in population databases (no rsID available, gnomAD 0.001%). This variant has not been reported in the literature in individuals affected with COL17A1-related conditions. Algorithms developed to predict the effect of missense changes on protein structure and function (SIFT, PolyPhen-2, Align-GVGD) all suggest that this variant is likely to be disruptive. In summary, the available evidence is currently insufficient to determine the role of this variant in disease. Therefore, it has been classified as a Variant of Uncertain Significance.

NM_000494.4(COL17A1):c.3806C>G (p.Pro1269Arg)

Gene: COL17A1 (collagen type XVII alpha 1 chain; minus strand). Cytogenetic location: 10q25.1.
Variant type: single nucleotide variant.
Coding change: c.3806C>G on transcript NM_000494.4 (MANE Select); coding-DNA position 3806, C replaced by G.
Protein change: p.Pro1269Arg; replaces proline 1269 with arginine.
Molecular consequence: missense variant.
Genome position (GRCh38, 1-based): chr10:104,034,295, G>C on the plus strand (C>G on the coding strand, the complement: COL17A1 is on the minus strand). VCF-style: chr10-104034295-G-C. GRCh37 (hg19) VCF-style: chr10-105794053-G-C.
Other names: short protein forms P1269R.
Identifiers: ClinVar variation 1922941 (VCV001922941.2), dbSNP rs1404349222, ClinGen allele CA378065793.
Genomic context (GRCh38, chr10:104,034,295, plus strand): 5'-CTGTGGGAGGCATCCGTGGACAGGAGGCGGCTGTCCCCAGGGGGTCCCTGCGGCCCAGGA[G>C]GGCCTGGGGGGCCAACAATGAAGCTGCGCACATCAGGACCTGCAGGGTGAGAAGCTGCAT-3'
Protein context (NP_000485.3, residues 1259-1279): VRSFIVGPPG[Pro1269Arg]PGPQGPPGDS